The following is an entry in ClinVar:

ClinVar aggregate classification (germline): Uncertain significance (1 of 4 stars; one submission).

Conditions:
Gastrointestinal stromal tumor. Also called: Gastrointestinal stromal tumor, somatic; Gastrointestinal stroma tumor. Identifiers: Orphanet 44890, MedGen C0238198, MeSH D046152, MONDO:0011719, OMIM 606764, HP:0100723.

Submission:

Labcorp Genetics (formerly Invitae), Labcorp
Classification: Uncertain significance for Gastrointestinal stromal tumor. Last evaluated: 2023-10-28. Review status: criteria provided, single submitter. Criteria: Invitae Variant Classification Sherloc (09022015). Collection method: clinical testing. Allele origin: germline.
Comment: This sequence change replaces lysine, which is basic and polar, with glutamic acid, which is acidic and polar, at codon 688 of the PDGFRA protein (p.Lys688Glu). This variant is not present in population databases (gnomAD no frequency). This variant has not been reported in the literature in individuals affected with PDGFRA-related conditions. Advanced modeling of protein sequence and biophysical properties (such as structural, functional, and spatial information, amino acid conservation, physicochemical variation, residue mobility, and thermodynamic stability) has been performed at Invitae for this missense variant, however the output from this modeling did not meet the statistical confidence thresholds required to predict the impact of this variant on PDGFRA protein function. In summary, the available evidence is currently insufficient to determine the role of this variant in disease. Therefore, it has been classified as a Variant of Uncertain Significance.

NM_006206.6(PDGFRA):c.2062A>G (p.Lys688Glu)

Gene: PDGFRA (platelet derived growth factor receptor alpha; plus strand). Cytogenetic location: 4q12.
Variant type: single nucleotide variant.
Coding change: c.2062A>G on transcript NM_006206.6 (MANE Select); coding-DNA position 2062, A replaced by G.
Protein change: p.Lys688Glu; replaces lysine 688 with glutamic acid.
Molecular consequence: missense variant.
Genome position (GRCh38, 1-based): chr4:54,278,421, A>G. VCF-style: chr4-54278421-A-G. GRCh37 (hg19) VCF-style: chr4-55144588-A-G.
Other names: c.2062A>G, p.Lys688Glu (NM_001347827.2, NM_001347829.2); c.2137A>G, p.Lys713Glu (NM_001347828.2); c.2101A>G, p.Lys701Glu (NM_001347830.2); short protein forms K701E, K713E, K688E.
Identifiers: ClinVar variation 2772169 (VCV002772169.3), dbSNP rs2110315631, ClinGen allele CA356893955.